The following is an entry in ClinVar:

NM_001360016.2(G6PD):c.1360C>T (p.Arg454Cys)

Gene: G6PD (glucose-6-phosphate dehydrogenase; minus strand). Cytogenetic location: Xq28.
Variant type: single nucleotide variant.
Coding change: c.1360C>T on transcript NM_001360016.2 (MANE Select); coding-DNA position 1360, C replaced by T.
Protein change: p.Arg454Cys; replaces arginine 454 with cysteine.
Molecular consequence: missense variant.
Genome position (GRCh38, 1-based): chrX:154,532,390, G>A on the plus strand (C>T on the coding strand, the complement: G6PD is on the minus strand). VCF-style: chrX-154532390-G-A. GRCh37 (hg19) VCF-style: chrX-153760605-G-A.
Other names: G6PD Chinese-2; G6PD Kalo; G6PD Maewo; G6PD Union; c.1450C>T, p.Arg484Cys (NM_000402.4); c.1360C>T, p.Arg454Cys (NM_001042351.3); short protein forms R454C, R484C.
Identifiers: ClinVar variation 93493 (VCV000093493.92), dbSNP rs398123546, ClinGen allele CA200806.

ClinVar aggregate classification (germline): Pathogenic. Review status: criteria provided, multiple submitters, no conflicts (2 of 4 stars). 25 submissions from 25 submitters: Pathogenic (25). Last evaluated 2026-04-29.

Conditions:
G6PD-related disorder. Also called: G6PD-related condition.
G6PD-related disorders.
Malaria, susceptibility to. Identifiers: Orphanet 673, MedGen C1970028, MONDO:0021024, OMIM 611162.
Anemia, nonspherocytic hemolytic, due to G6PD deficiency (CNSHA1). Also called: Class I glucose-6-phosphate dehydrogenase deficiency; Favism, susceptibility to; ANEMIA, CONGENITAL, NONSPHEROCYTIC HEMOLYTIC, 1; Hemolytic anemia due to G6PD deficiency. Identifiers: Orphanet 466026, MedGen C2720289, MONDO:0010480, OMIM 300908.
G6PD deficiency. Also called: G6PD A-. Identifiers: MedGen C2939465, MONDO:0005775.

Allele frequency attached by ClinVar (database versions not stated): gnomAD 0.00017 and 0.00014; gnomAD exomes 0.00003 and 0.00015; ExAC 0.00011; 1000 Genomes Project 30x 0.00042; 1000 Genomes Project 0.00053; TOPMed 0.00015.
gnomAD v4.1: 82 of 1,210,242 alleles (0.0068%); highest among the groups gnomAD compares: African/African-American, 0.03%; 4 homozygotes.

Submissions 1 to 9 of 25:

Service of Pediatric Gastrohepatology and Metabolic Diseases, University of Medicine of Tirana
Classification: Pathogenic for Anemia, nonspherocytic hemolytic, due to G6PD deficiency. Last evaluated: 2026-04-29. Review status: criteria provided, single submitter. Criteria: ACMG Guidelines, 2015. Collection method: clinical testing. Allele origin: germline. Inheritance: X-linked inheritance. Affected: yes. Observed: 1 variant allele.
Comment: G6PD c.1360C>T was classified as Pathogenic using ACMG/AMP 2015 criteria (PMID:25741868). Applied evidence includes PS1/PM5-level support from an established pathogenic amino-acid change in a disease gene, PM2 for rarity/absence in population datasets when reviewed, PP3 for deleterious in-silico effect, and PP4 because the phenotype is consistent with G6PD deficiency (OMIM:300908).

PreventionGenetics, part of Exact Sciences
Classification: Pathogenic for G6PD-related condition. Last evaluated: 2026-04-06. Review status: criteria provided, single submitter. Criteria: ACMG Guidelines, 2015. Collection method: clinical testing. Allele origin: germline.
Comment: The G6PD c.1360C>T variant is predicted to result in the amino acid substitution p.Arg454Cys. This variant, also referred to as G6PD Union, has previously been reported to be causative for glucose-6-phosphate dehydrogenase deficiency (see example: Yoshida et al 1970. PubMed ID: 4392654; Perng et al 1992. PubMed ID: 1303180; Wang et al 2005. PubMed ID: 16088936; Table S8, Geck et al. 2023. PubMed ID: 36681081). This variant has also been interpreted as pathogenic by several different laboratories in ClinVar (Variation ID: 93493). We interpret this variant as pathogenic.

CeGaT Center for Human Genetics Tuebingen
Classification: Pathogenic. Last evaluated: 2026-04-01. Review status: criteria provided, single submitter. Criteria: CeGaT Center For Human Genetics Tuebingen Variant Classification Criteria Version 2. Collection method: clinical testing. Allele origin: germline. Affected: yes. Observed: 15 variant alleles.
Comment: G6PD: PM1, PM2, PM5, PS4:Moderate, PP3, PS3:Supporting

Labcorp Genetics (formerly Invitae), Labcorp
Classification: Pathogenic for Anemia, nonspherocytic hemolytic, due to G6PD deficiency. Last evaluated: 2026-02-02. Review status: criteria provided, single submitter. Criteria: Invitae Variant Classification Sherloc (09022015). Collection method: clinical testing. Allele origin: germline.
Comment: This sequence change replaces arginine, which is basic and polar, with cysteine, which is neutral and slightly polar, at codon 454 of the G6PD protein (p.Arg454Cys). The frequency data for this variant in the population databases is considered unreliable, as metrics indicate poor data quality at this position in the gnomAD database. This missense change has been observed in individuals with G6PD deficiency (PMID: 10221015, 12497642, 22293322, 26823837). ClinVar contains an entry for this variant (Variation ID: 93493). Invitae Evidence Modeling of protein sequence and biophysical properties (such as structural, functional, and spatial information, amino acid conservation, physicochemical variation, residue mobility, and thermodynamic stability) indicates that this missense variant is expected to disrupt G6PD protein function with a positive predictive value of 95%. Experimental studies have shown that this missense change affects G6PD function (PMID: 16088936). For these reasons, this variant has been classified as Pathogenic.

Clinical Genomics Laboratory, Washington University in St. Louis
Classification: Pathogenic for Anemia, nonspherocytic hemolytic, due to G6PD deficiency. Last evaluated: 2026-01-21. Review status: criteria provided, single submitter. Criteria: ACMG Guidelines, 2015. Collection method: clinical testing. Allele origin: germline. Affected: yes.
Comment: The G6PD c.1360C>T (p.Arg454Cys) variant, also known as G6PD Union or Maewo, has been described in the literature in the hemizygous state in individuals with severe G6PD deficiency and has been described as a Class II variant associated with a severe decrease in enzyme activity (Ainoon O et al., PMID: 12497642; Hu R et al., PMID: 26823837, Minucci A et al., PMID: 22293322; Silao CL et al., PMID: 10221015; Xuan-Rong Koh D et al., PMID: 38085718). This variant has been reported in the ClinVar database as a germline pathogenic variant by many submitters. The highest population minor allele frequency in the population database genome aggregation database (v.2.1.1) is 0.06% in the East Asian population, including two hemizygotes, which is consistent with the incidence of G6PD deficiency in the East Asian population (He Y et al., PMID: 33051526). Computational predictors indicate that the variant is damaging, evidence that correlates with impact to G6PD function. In support of this prediction, functional in vitro studies demonstrate this variant impacts protein thermostability and decreases catalytic efficiency of the enzyme (Wang XT et al., PMID: 16088936). Based on available information and the ACMG/AMP guidelines for variant interpretation (Richards S et al., PMID: 25741868), this variant is classified as pathogenic.

Variantyx, Inc.
Classification: Pathogenic for Anemia, nonspherocytic hemolytic, due to G6PD deficiency. Last evaluated: 2025-12-25. Review status: criteria provided, single submitter. Criteria: Variantyx Assertion Criteria 2022. Collection method: clinical testing. Allele origin: maternal. Inheritance: X-linked inheritance.
Comment: This is a nonsynonymous variant in the G6PD gene (OMIM: 305900). Pathogenic variants in this gene have been associated with X-linked hemolytic anemia due to G6PD deficiency (favism). This variant has been reported in many unrelated affected individuals (PMID: 10221015, 12497642, 26823837, 39076173) (PS4_Moderate). Functional studies have shown that this variant alters G6PD protein function (PMID: 16088936) (PS3), and multiple computational algorithms predict a deleterious effect (REVEL score: 0.938) (PP3). Alternate amino acid changes at this position (p.Arg454Pro, p.Arg454His) have been previously reported in similarly affected individuals, which suggests that this residue is biologically important (PMID: 16088936) (PM5). This variant has a 0.0295% maximum allele frequency in non-founder control populations. Based on the current evidence, this variant is classified as pathogenic for X-linked hemolytic anemia due to G6PD deficiency (favism).

Women's Health and Genetics/Laboratory Corporation of America, LabCorp
Classification: Pathogenic for G6PD deficiency. Last evaluated: 2025-11-11. Review status: criteria provided, single submitter. Criteria: LabCorp Variant Classification Summary - May 2015. Collection method: clinical testing. Allele origin: germline.
Comment: Variant summary: G6PD c.1450C>T (p.Arg484Cys) results in a non-conservative amino acid change in the encoded protein sequence. Algorithms developed to predict the effect of missense changes on protein structure and function all suggest that this variant is likely to be disruptive. The variant allele was found at a frequency of 0.00015 in 182006 control chromosomes, including 5 hemizygotes. This frequency is not significantly higher than estimated for disease-causing variants in G6PD, allowing no conclusion about variant significance. c.1450C>T (also known as c.1360C>T, p.Arg454Cys ) has been observed in multiple individuals affected with Glucose 6 Phosphate Dehydrogenase Deficiency (examples: Silao_1999, and Xuan-RongKoh_2023). These data indicate that the variant is very likely to be associated with disease. The following publications have been ascertained in the context of this evaluation (PMID: 10221015, 38085718). ClinVar contains an entry for this variant (Variation ID: 93493). Based on the evidence outlined above, the variant was classified as pathogenic.

Genesolutions, Medical Genetics Institutes, Ho Chi Minh City, Vietnam
Classification: Pathogenic for Anemia, nonspherocytic hemolytic, due to G6PD deficiency. Last evaluated: 2025-09-24. Review status: criteria provided, single submitter. Criteria: ACMG Guidelines, 2015. Collection method: clinical testing. Allele origin: germline. Affected: yes.

Center for Genomic Medicine, Rigshospitalet, Copenhagen University Hospital
Classification: Pathogenic. Last evaluated: 2025-03-04. Review status: criteria provided, single submitter. Criteria: ACMG Guidelines, 2015. Collection method: clinical testing. Allele origin: germline.